The following is an entry in ClinVar:

ClinVar aggregate classification (germline): Benign. Review status: criteria provided, multiple submitters, no conflicts (2 of 4 stars). 2 submissions from 2 submitters: Benign (2). Last evaluated 2018-01-13.

Conditions:
Ellis-van Creveld syndrome (EVC). Also called: EVC-Related Ellis-van Creveld Syndrome; EVC2-Related Ellis-van Creveld Syndrome; MESOECTODERMAL DYSPLASIA; Chondroectodermal dysplasia. Identifiers: Orphanet 289, MedGen C0013903, MONDO:0009162, OMIM 225500.

Allele frequency attached by ClinVar (database versions not stated): gnomAD exomes 0.00110; 1000 Genomes Project 0.00699; 1000 Genomes Project 30x 0.00734; gnomAD 0.00737 and 0.00784; TOPMed 0.00825.
gnomAD v4.1: 2,156 of 1,064,908 alleles (0.2%); highest among the groups gnomAD compares: African/African-American, 2.3%; 18 homozygotes.

Submissions (2):

Illumina Laboratory Services, Illumina
Classification: Benign for Ellis-van Creveld syndrome. Last evaluated: 2018-01-13. Review status: criteria provided, single submitter. Criteria: ICSL Variant Classification Criteria 13 December 2019. Collection method: clinical testing. Allele origin: germline.
Comment: This variant was observed in the ICSL laboratory as part of a predisposition screen in an ostensibly healthy population. It had not been previously curated by ICSL or reported in the Human Gene Mutation Database (HGMD: prior to June 1st, 2018), and was therefore a candidate for classification through an automated scoring system. Utilizing variant allele frequency, disease prevalence and penetrance estimates, and inheritance mode, an automated score was calculated to assess if this variant is too frequent to cause the disease. Based on the score and internal cut-off values, a variant classified as benign is not then subjected to further curation. The score for this variant resulted in a classification of benign for this disease.

Breakthrough Genomics
Classification: Benign. Review status: criteria provided, single submitter. Criteria: ACMG Guidelines, 2015. Collection method: not provided. Allele origin: germline. Inheritance: Autosomal recessive inheritance. Affected: yes.

NM_147127.5(EVC2):c.*394A>G

Gene: EVC2 (EvC ciliary complex subunit 2; minus strand). Cytogenetic location: 4p16.2.
Variant type: single nucleotide variant.
Coding change: c.*394A>G on transcript NM_147127.5 (MANE Select); 394 bases downstream of the stop codon, A replaced by G.
Molecular consequence: 3 prime UTR variant.
Genome position (GRCh38, 1-based): chr4:5,562,454, T>C on the plus strand (A>G on the coding strand, the complement: EVC2 is on the minus strand). VCF-style: chr4-5562454-T-C. GRCh37 (hg19) VCF-style: chr4-5564181-T-C.
Other names: c.*394A>G (NM_001166136.2).
Identifiers: ClinVar variation 348975 (VCV000348975.6), dbSNP rs138063943, ClinGen allele CA10618907.